The following is an entry in ClinVar:

ClinVar aggregate classification (germline): Uncertain significance (1 of 4 stars; one submission).

gnomAD v4.1: 4 of 1,613,084 alleles (0.00025%); highest among the groups gnomAD compares: South Asian, 0.0011%; no homozygotes.

Submission:

Labcorp Genetics (formerly Invitae), Labcorp
Classification: Uncertain significance. Last evaluated: 2024-06-30. Review status: criteria provided, single submitter. Criteria: Invitae Variant Classification Sherloc (09022015). Collection method: clinical testing. Allele origin: germline.
Comment: This sequence change replaces histidine, which is basic and polar, with tyrosine, which is neutral and polar, at codon 345 of the TNNI3K protein (p.His345Tyr). This variant is not present in population databases (gnomAD no frequency). This variant has not been reported in the literature in individuals affected with TNNI3K-related conditions. Advanced modeling of protein sequence and biophysical properties (such as structural, functional, and spatial information, amino acid conservation, physicochemical variation, residue mobility, and thermodynamic stability) performed at Invitae indicates that this missense variant is not expected to disrupt TNNI3K protein function with a negative predictive value of 80%. In summary, the available evidence is currently insufficient to determine the role of this variant in disease. Therefore, it has been classified as a Variant of Uncertain Significance.

NM_015978.3(TNNI3K):c.1033C>T (p.His345Tyr)

Genes: FPGT-TNNI3K (FPGT-TNNI3K readthrough; plus strand), TNNI3K (TNNI3 interacting kinase; plus strand). Cytogenetic location: 1p31.1.
Variant type: single nucleotide variant.
Coding change: c.1033C>T on transcript NM_015978.3 (MANE Select); coding-DNA position 1033, C replaced by T.
Protein change: p.His345Tyr; replaces histidine 345 with tyrosine.
Molecular consequence: missense variant.
Genome position (GRCh38, 1-based): chr1:74,353,985, C>T. VCF-style: chr1-74353985-C-T. GRCh37 (hg19) VCF-style: chr1-74819669-C-T.
Other names: c.1336C>T, p.His446Tyr (NM_001112808.3, NM_001199327.2); short protein forms H345Y, H446Y.
Identifiers: ClinVar variation 3616532 (VCV003616532.2).